The following is an entry in ClinVar:

ClinVar aggregate classification (germline): Uncertain significance (1 of 4 stars; one submission).

Conditions:
Pontocerebellar hypoplasia type 1B. Also called: EXOSC3 Pontocerebellar Hypoplasia. Identifiers: Orphanet 2254, MedGen C3553449, MONDO:0013853, OMIM 614678.

Allele frequency attached by ClinVar (database versions not stated): gnomAD exomes below 0.00001.

Submission:

Labcorp Genetics (formerly Invitae), Labcorp
Classification: Uncertain significance for Pontocerebellar hypoplasia type 1B. Last evaluated: 2023-08-10. Review status: criteria provided, single submitter. Criteria: Invitae Variant Classification Sherloc (09022015). Collection method: clinical testing. Allele origin: germline.
Comment: This variant has not been reported in the literature in individuals affected with EXOSC3-related conditions. In summary, the available evidence is currently insufficient to determine the role of this variant in disease. Therefore, it has been classified as a Variant of Uncertain Significance. Experimental studies and prediction algorithms are not available or were not evaluated, and the functional significance of this variant is currently unknown. ClinVar contains an entry for this variant (Variation ID: 970610). This variant is not present in population databases (gnomAD no frequency). This sequence change results in a frameshift in the EXOSC3 gene (p.Glu274Aspfs*36). While this is not anticipated to result in nonsense mediated decay, it is expected to disrupt the last 2 amino acid(s) of the EXOSC3 protein and extend the protein by 33 additional amino acid residues.

NM_016042.4(EXOSC3):c.822_*6del (p.Glu274fs)

Gene: EXOSC3 (exosome component 3; minus strand). Cytogenetic location: 9p13.2.
Variant type: Deletion.
Coding change: c.822_*6del on transcript NM_016042.4 (MANE Select); coding-DNA position 822 through 6 bases downstream of the stop codon, 13 bases deleted (AAGTTGATATAGG).
Protein change: p.Glu274fs; shifts the reading frame from glutamic acid 274.
Molecular consequence: frameshift variant. On other transcripts: 3 prime UTR variant (1).
Genome position (GRCh38, 1-based): chr9:37,780,673-37,780,685, CCTATATCAACTT deleted on the plus strand (AAGTTGATATAGG on the coding strand, the reverse complement: EXOSC3 is on the minus strand). VCF-style (leftmost placement, unchanged base first): chr9-37780672-ACCTATATCAACTT-A. GRCh37 (hg19) VCF-style: chr9-37780669-ACCTATATCAACTT-A.
Other names: c.*175_*187del (NM_001002269.2); short protein forms E274fs.
Identifiers: ClinVar variation 970610 (VCV000970610.7), dbSNP rs1828567719, ClinGen allele CA1139660988.
Genomic context (GRCh38, chr9:37,780,672, plus strand): 5'-GGGGAGGTTCACCTGAAAAAACCCATAGTTTTTTGCCTCAACTGACCTGTAAAAAAGTCC[ACCTATATCAACTT>A]TCTGCCAATCTGGAGAAGATCTGTTTTCTTTGATCTGACGTCATGTGTTCACAAGCTTCT-3'